The following is an entry in ClinVar:

NM_004744.5(LRAT):c.226G>A (p.Asp76Asn)

Gene: LRAT (lecithin retinol acyltransferase; plus strand). Cytogenetic location: 4q32.1.
Variant type: single nucleotide variant.
Coding change: c.226G>A on transcript NM_004744.5 (MANE Select); coding-DNA position 226, G replaced by A.
Protein change: p.Asp76Asn; replaces aspartic acid 76 with asparagine.
Molecular consequence: missense variant.
Genome position (GRCh38, 1-based): chr4:154,744,552, G>A. VCF-style: chr4-154744552-G-A. GRCh37 (hg19) VCF-style: chr4-155665704-G-A.
Other names: c.226G>A, p.Asp76Asn (NM_001301645.2); short protein forms D76N.
Identifiers: ClinVar variation 2016534 (VCV002016534.4), dbSNP rs2529972683, ClinGen allele CA358630246.

ClinVar aggregate classification (germline): Uncertain significance (1 of 4 stars; one submission).

Submission:

Labcorp Genetics (formerly Invitae), Labcorp
Classification: Uncertain significance. Last evaluated: 2022-07-13. Review status: criteria provided, single submitter. Criteria: Invitae Variant Classification Sherloc (09022015). Collection method: clinical testing. Allele origin: germline.
Comment: In summary, the available evidence is currently insufficient to determine the role of this variant in disease. Therefore, it has been classified as a Variant of Uncertain Significance. Algorithms developed to predict the effect of missense changes on protein structure and function are either unavailable or do not agree on the potential impact of this missense change (SIFT: "Deleterious"; PolyPhen-2: "Probably Damaging"; Align-GVGD: "Class C15"). This variant has not been reported in the literature in individuals affected with LRAT-related conditions. This variant is not present in population databases (gnomAD no frequency). This sequence change replaces aspartic acid, which is acidic and polar, with asparagine, which is neutral and polar, at codon 76 of the LRAT protein (p.Asp76Asn).